The following is an entry in ClinVar:

NM_000268.4(NF2):c.1547G>A (p.Arg516Gln)

Gene: NF2 (NF2, moesin-ezrin-radixin like (MERLIN) tumor suppressor; plus strand). Cytogenetic location: 22q12.2.
Variant type: single nucleotide variant.
Coding change: c.1547G>A on transcript NM_000268.4 (MANE Select); coding-DNA position 1547, G replaced by A.
Protein change: p.Arg516Gln; replaces arginine 516 with glutamine.
Molecular consequence: missense variant. On other transcripts: non-coding transcript variant (1), intron variant (1).
Genome position (GRCh38, 1-based): chr22:29,678,296, G>A. VCF-style: chr22-29678296-G-A. GRCh37 (hg19) VCF-style: chr22-30074285-G-A.
Other names: c.1547G>A, p.Arg516Gln (NM_016418.5, NM_181825.3, NM_181832.3); c.1421G>A, p.Arg474Gln (NM_181828.3); c.1424G>A, p.Arg475Gln (NM_181829.3); c.1298G>A, p.Arg433Gln (NM_181830.3, NM_181831.3); c.448-16456G>A (NM_181833.3); short protein forms R516Q, R475Q, R433Q, R474Q.
Identifiers: ClinVar variation 574082 (VCV000574082.18), dbSNP rs1569309694, ClinGen allele CA411149755.

ClinVar aggregate classification (germline): Conflicting classifications of pathogenicity. Review status: criteria provided, conflicting classifications (1 of 4 stars). 5 submissions from 5 submitters: Uncertain significance (4); Likely benign (1). Last evaluated 2025-11-03.

Conditions:
Hereditary cancer-predisposing syndrome. Also called: Tumor predisposition; Neoplastic Syndromes, Hereditary; Hereditary neoplastic syndrome; Hereditary Cancer Syndrome. Identifiers: Orphanet 140162, MedGen C0027672, MeSH D009386, MONDO:0015356.
Familial meningioma. Also called: Meningioma, familial, susceptibility to. Identifiers: Orphanet 263662, MedGen C3551915, MONDO:0011789, OMIM 607174.
Neurofibromatosis, type 2 (SWNV). Also called: NF2-Related Schwannomatosis; BILATERAL ACOUSTIC NEUROFIBROMATOSIS; SCHWANNOMATOSIS, VESTIBULAR. Identifiers: Orphanet 637, MedGen C0027832, MONDO:0007039, OMIM 101000. Disease mechanism: loss of function.

Allele frequency attached by ClinVar (database versions not stated): gnomAD exomes 0.00001.
gnomAD v4.1: 7 of 1,614,032 alleles (0.00043%); highest among the groups gnomAD compares: Non-Finnish European, 0.00059%; no homozygotes.

Submissions (5):

Labcorp Genetics (formerly Invitae), Labcorp
Classification: Likely benign for Neurofibromatosis, type 2. Last evaluated: 2025-11-03. Review status: criteria provided, single submitter. Criteria: Invitae Variant Classification Sherloc (09022015). Collection method: clinical testing. Allele origin: germline.

Ambry Genetics
Classification: Uncertain significance for Hereditary cancer-predisposing syndrome. Last evaluated: 2024-09-30. Review status: criteria provided, single submitter. Criteria: Ambry Variant Classification Scheme 2023. Collection method: clinical testing. Allele origin: germline.
Comment: The p.R516Q variant (also known as c.1547G>A), located in coding exon 14 of the NF2 gene, results from a G to A substitution at nucleotide position 1547. The arginine at codon 516 is replaced by glutamine, an amino acid with highly similar properties. This amino acid position is highly conserved in available vertebrate species. In addition, the in silico prediction for this alteration is inconclusive. Since supporting evidence is limited at this time, the clinical significance of this alteration remains unclear.

All of Us Research Program, National Institutes of Health
Classification: Uncertain significance for Neurofibromatosis, type 2. Last evaluated: 2023-11-20. Review status: criteria provided, single submitter. Criteria: ACMG Guidelines, 2015. Collection method: clinical testing. Allele origin: germline. Inheritance: Autosomal dominant inheritance. Observed: 1 variant allele, 1 heterozygote.
Comment: This missense variant replaces arginine with glutamine at codon 516 of the NF2 protein. Computational prediction suggests that this variant may not impact protein structure and function (internally defined REVEL score threshold <= 0.5, PMID: 27666373). To our knowledge, functional studies have not been reported for this variant. This variant has not been reported in individuals affected with NF2-related disorders in the literature. This variant has not been identified in the general population by the Genome Aggregation Database (gnomAD). The available evidence is insufficient to determine the role of this variant in disease conclusively. Therefore, this variant is classified as a Variant of Uncertain Significance.

This study involves interpretation of variants in research participants for the purpose of population health screening. Participant phenotype was not available at the time of variant classification. Additional details can be found in publication PMID: 35346344, PMCID: PMC8962531

Baylor Genetics
Classification: Uncertain significance for Familial meningioma. Last evaluated: 2023-08-10. Review status: criteria provided, single submitter. Criteria: ACMG Guidelines, 2015. Collection method: clinical testing. Allele origin: unknown.

Genome-Nilou Lab
Classification: Uncertain significance for Neurofibromatosis, type 2. Last evaluated: 2021-11-07. Review status: criteria provided, single submitter. Criteria: ACMG Guidelines, 2015. Collection method: clinical testing. Allele origin: germline. Affected: no.